The following is an entry in ClinVar:

NM_000435.3(NOTCH3):c.1184G>A (p.Cys395Tyr)

Gene: NOTCH3 (notch receptor 3; minus strand). Cytogenetic location: 19p13.12.
Variant type: single nucleotide variant.
Coding change: c.1184G>A on transcript NM_000435.3 (MANE Select); coding-DNA position 1184, G replaced by A.
Protein change: p.Cys395Tyr; replaces cysteine 395 with tyrosine.
Molecular consequence: missense variant.
Genome position (GRCh38, 1-based): chr19:15,189,281, C>T on the plus strand (G>A on the coding strand, the complement: NOTCH3 is on the minus strand). VCF-style: chr19-15189281-C-T. GRCh37 (hg19) VCF-style: chr19-15300092-C-T.
Other names: short protein forms C395Y.
Identifiers: ClinVar variation 2082702 (VCV002082702.4), dbSNP rs2512661812, ClinGen allele CA404528595.

ClinVar aggregate classification (germline): Likely pathogenic (1 of 4 stars; one submission).

Submission:

Labcorp Genetics (formerly Invitae), Labcorp
Classification: Likely pathogenic. Last evaluated: 2022-01-21. Review status: criteria provided, single submitter. Criteria: Invitae Variant Classification Sherloc (09022015). Collection method: clinical testing. Allele origin: germline.
Comment: In summary, the currently available evidence indicates that the variant is pathogenic, but additional data are needed to prove that conclusively. Therefore, this variant has been classified as Likely Pathogenic. This variant disrupts the p.Cys395 amino acid residue in NOTCH3. Other variant(s) that disrupt this residue have been determined to be pathogenic (PMID: 15364702). This suggests that this residue is clinically significant, and that variants that disrupt this residue are likely to be disease-causing. Advanced modeling of protein sequence and biophysical properties (such as structural, functional, and spatial information, amino acid conservation, physicochemical variation, residue mobility, and thermodynamic stability) performed at Invitae indicates that this missense variant is expected to disrupt NOTCH3 protein function. This missense change has been observed in individual(s) with clinical features of cerebral arteriopathy with subcortical infarcts and leukoencephalopathy (external communication). This variant is not present in population databases (gnomAD no frequency). This sequence change replaces cysteine, which is neutral and slightly polar, with tyrosine, which is neutral and polar, at codon 395 of the NOTCH3 protein (p.Cys395Tyr).

Literature cited by the submitters: PubMed 15364702.